The following is an entry in ClinVar:

NM_001384140.1(PCDH15):c.2691G>C (p.Glu897Asp)

Gene: PCDH15 (protocadherin related 15; minus strand). Cytogenetic location: 10q21.1.
Variant type: single nucleotide variant.
Coding change: c.2691G>C on transcript NM_001384140.1 (MANE Select); coding-DNA position 2691, G replaced by C.
Protein change: p.Glu897Asp; replaces glutamic acid 897 with aspartic acid.
Molecular consequence: missense variant.
Genome position (GRCh38, 1-based): chr10:54,020,252, C>G on the plus strand (G>C on the coding strand, the complement: PCDH15 is on the minus strand). VCF-style: chr10-54020252-C-G. GRCh37 (hg19) VCF-style: chr10-55780012-C-G.
Other names: c.2706G>C, p.Glu902Asp (NM_001142763.2, NM_001142771.2); c.2691G>C, p.Glu897Asp (NM_001142764.2, NM_001142766.2, NM_001142770.3 and 5 more transcripts); c.2478G>C, p.Glu826Asp (NM_001142765.2); c.2580G>C, p.Glu860Asp (NM_001142767.2); c.2625G>C, p.Glu875Asp (NM_001142768.2, NM_001142773.2, NM_001354404.2); c.2727G>C, p.Glu909Asp (NM_001142769.4); c.2712G>C, p.Glu904Asp (NM_001354411.2); short protein forms E897D, E904D, E875D, E909D, E826D, E860D, E902D.
Identifiers: ClinVar variation 229134 (VCV000229134.5), dbSNP rs876657952, ClinGen allele CA10576794.

ClinVar aggregate classification (germline): Uncertain significance (1 of 4 stars; one submission).

Submission:

Laboratory for Molecular Medicine, Mass General Brigham Personalized Medicine
Classification: Uncertain significance. Last evaluated: 2015-04-17. Review status: criteria provided, single submitter. Criteria: LMM Criteria. Collection method: clinical testing. Allele origin: germline. Observed: 1 variant allele.
Comment: The p.Glu897Asp variant in PCDH15 has not been previously reported in individual s with hearing loss or in large population studies. Computational prediction too ls and conservation analysis do not provide strong support for or against an imp act to the protein. In summary, the clinical significance of the p.Glu897Asp var iant is uncertain.